The following is an entry in ClinVar:

ClinVar aggregate classification (germline): Uncertain significance (1 of 4 stars; one submission).

Submission:

Ambry Genetics
Classification: Uncertain significance. Last evaluated: 2023-02-28. Review status: criteria provided, single submitter. Criteria: Ambry Variant Classification Scheme 2023. Collection method: clinical testing. Allele origin: germline.
Comment: The p.S735P variant (also known as c.2203T>C), located in coding exon 13 of the NPAT gene, results from a T to C substitution at nucleotide position 2203. The serine at codon 735 is replaced by proline, an amino acid with similar properties. This amino acid position is conserved. In addition, this alteration is predicted to be tolerated by in silico analysis. Since supporting evidence is limited at this time, the clinical significance of this alteration remains unclear.

NM_002519.3(NPAT):c.2203T>C (p.Ser735Pro)

Gene: NPAT (nuclear protein, coactivator of histone transcription; minus strand). Cytogenetic location: 11q22.3.
Variant type: single nucleotide variant.
Coding change: c.2203T>C on transcript NM_002519.3 (MANE Select); coding-DNA position 2203, T replaced by C.
Protein change: p.Ser735Pro; replaces serine 735 with proline.
Molecular consequence: missense variant.
Genome position (GRCh38, 1-based): chr11:108,172,781, A>G on the plus strand (T>C on the coding strand, the complement: NPAT is on the minus strand). VCF-style: chr11-108172781-A-G. GRCh37 (hg19) VCF-style: chr11-108043508-A-G.
Other names: c.2203T>C, p.Ser735Pro (NM_001321307.1); short protein forms S735P.
Identifiers: ClinVar variation 2447462 (VCV002447462.2), dbSNP rs2496718232, ClinGen allele CA382513467.